The following is an entry in ClinVar:

ClinVar aggregate classification (germline): Pathogenic. Review status: criteria provided, multiple submitters, no conflicts (2 of 4 stars). 2 submissions from 2 submitters: Pathogenic (2). Last evaluated 2024-07-01.

Conditions:
Hereditary breast ovarian cancer syndrome. Also called: Hereditary breast and ovarian cancer syndrome; Hereditary breast and ovarian cancer syndrome (HBOC); BRCA1- and BRCA2-Associated Hereditary Breast and Ovarian Cancer; Hereditary breast and ovarian cancer; Breast and ovarian cancer; Hereditary breast and/or ovarian cancer syndrome. Identifiers: Orphanet 145, MedGen C0677776, MeSH D061325, MONDO:0003582. Disease mechanism: loss of function.
Familial cancer of breast. Also called: hereditary breast carcinoma; BREAST CANCER, FAMILIAL; Hereditary breast cancer. Identifiers: Orphanet 227535, MedGen C0346153, MONDO:0016419, OMIM 114480. Disease mechanism: loss of function.

Submissions (2):

Labcorp Genetics (formerly Invitae), Labcorp
Classification: Pathogenic for Hereditary breast ovarian cancer syndrome. Last evaluated: 2024-07-01. Review status: criteria provided, single submitter. Criteria: Invitae Variant Classification Sherloc (09022015). Collection method: clinical testing. Allele origin: germline.
Comment: This sequence change creates a premature translational stop signal (p.Tyr839*) in the BRCA2 gene. It is expected to result in an absent or disrupted protein product. Loss-of-function variants in BRCA2 are known to be pathogenic (PMID: 20104584). This variant is not present in population databases (gnomAD no frequency). This variant has not been reported in the literature in individuals affected with BRCA2-related conditions. For these reasons, this variant has been classified as Pathogenic.

Baylor Genetics
Classification: Pathogenic for Familial cancer of breast. Last evaluated: 2023-09-07. Review status: criteria provided, single submitter. Criteria: ACMG Guidelines, 2015. Collection method: clinical testing. Allele origin: unknown.

Literature cited by the submitters: PubMed 20104584 (cited by Labcorp Genetics (formerly Invitae), Labcorp).

NM_000059.4(BRCA2):c.2517del (p.Lys838_Tyr839insTer)

Gene: BRCA2 (BRCA2 DNA repair associated; plus strand). Cytogenetic location: 13q13.1.
Variant type: Deletion.
Coding change: c.2517del on transcript NM_000059.4 (MANE Select); coding-DNA position 2517, one base deleted (C; older notation c.2517delC).
Protein change: p.Lys838_Tyr839insTer.
Molecular consequence: nonsense. On other transcripts: non-coding transcript variant (1), intron variant (2).
Genome position (GRCh38, 1-based): chr13:32,336,872, C deleted. VCF-style (leftmost placement, unchanged base first): chr13-32336871-AC-A. GRCh37 (hg19) VCF-style: chr13-32911008-AC-A.
Other names: c.2517del, p.Lys838_Tyr839insTer (NM_001406719.1, NM_001406720.1); c.1909+3485del (NM_001406721.1); c.424+5842del (NM_001406722.1).
Identifiers: ClinVar variation 2680253 (VCV002680253.3), dbSNP rs2548524183, ClinGen allele CA2695199252.
Genomic context (GRCh38, chr13:32,336,871, plus strand): 5'-AAGATGTATGTGCTTTAAATGAAAATTATAAAAACGTTGAGCTGTTGCCACCTGAAAAAT[AC>A]ATGAGAGTAGCATCACCTTCAAGAAAGGTACAATTCAACCAAAACACAAATCTAAGAGTA-3'